The following is an entry in ClinVar:

NM_001267550.2(TTN):c.83148_83151del (p.Asp27718fs)

Genes: TTN (titin; minus strand), TTN-AS1 (TTN antisense RNA 1; plus strand). Cytogenetic location: 2q31.2.
Variant type: Deletion.
Coding change: c.83148_83151del on transcript NM_001267550.2 (MANE Select); coding-DNA positions 83148 to 83151, 4 bases deleted (CACT; older notation c.83148_83151delCACT).
Protein change: p.Asp27718fs; shifts the reading frame from aspartic acid 27718.
Molecular consequence: frameshift variant.
Genome position (GRCh38, 1-based): chr2:178,562,981-178,562,984, AGTG deleted on the plus strand (CACT on the coding strand, the reverse complement: TTN is on the minus strand); deleting any 4 consecutive bases within chr2:178,562,981-178,562,986 gives the same sequence; the c. name uses the placement nearest the transcript's 3' end. VCF-style (leftmost placement, unchanged base first): chr2-178562980-CAGTG-C. GRCh37 (hg19) VCF-style: chr2-179427707-CAGTG-C.
Other names: c.78225_78228del, p.Asp26077fs (NM_001256850.1); c.55953_55956del, p.Asp18653fs (NM_003319.4); c.75444_75447del, p.Asp25150fs (NM_133378.4); c.56328_56331del, p.Asp18778fs (NM_133432.3); c.56529_56532del, p.Asp18845fs (NM_133437.4); short protein forms D25150fs, D18653fs, D18778fs, D27718fs, D18845fs, D26077fs.
Identifiers: ClinVar variation 5006146 (VCV005006146.2).

ClinVar aggregate classification (germline): Likely pathogenic (1 of 4 stars; one submission).

Conditions:
Hypertrophic cardiomyopathy 9. Also called: Familial hypertrophic cardiomyopathy 9. Identifiers: MedGen C1861065, MONDO:0013412, OMIM 613765.
Myopathy, myofibrillar, 9, with early respiratory failure (MFM9). Also called: Hereditary myopathy with early respiratory failure; EDSTROM MYOPATHY; MYOPATHY, PROXIMAL, WITH EARLY RESPIRATORY MUSCLE INVOLVEMENT; Myopathy, distal, with early respiratory failure, autosomal dominant. Identifiers: Orphanet 178464, Orphanet 34521, MedGen C1863599, MONDO:0011362, OMIM 603689.
Early-onset myopathy with fatal cardiomyopathy (CMYO5). Also called: CONGENITAL MYOPATHY 5 WITH CARDIOMYOPATHY; Salih Myopathy. Identifiers: Orphanet 289377, MedGen C2673677, MONDO:0012714, OMIM 611705. Disease mechanism: loss of function.
Autosomal recessive limb-girdle muscular dystrophy type 2J (LGMDR10). Also called: Limb-girdle muscular dystrophy, type 2J; MUSCULAR DYSTROPHY, LIMB-GIRDLE, AUTOSOMAL RECESSIVE 10. Identifiers: Orphanet 140922, MedGen C1837342, MONDO:0012127, OMIM 608807.
Dilated cardiomyopathy 1G (CMD1G). Identifiers: Orphanet 154, MedGen C1858763, MONDO:0011400, OMIM 604145.
Tibial muscular dystrophy (TMD). Also called: UDD MYOPATHY; Udd Distal Myopathy – Tibial Muscular Dystrophy; Tibial muscular dystrophy, tardive. Identifiers: Orphanet 609, MedGen C1838244, MONDO:0010870, OMIM 600334.

Submission:

Juno Genomics, Hangzhou Juno Genomics, Inc
Classification: Likely pathogenic for Early-onset myopathy with fatal cardiomyopathy; Dilated cardiomyopathy 1G; Hypertrophic cardiomyopathy 9; Autosomal recessive limb-girdle muscular dystrophy type 2J; Myopathy, myofibrillar, 9, with early respiratory failure; Tibial muscular dystrophy. Review status: criteria provided, single submitter. Criteria: ACMG Guidelines, 2015. Collection method: clinical testing. Allele origin: germline.
Comment: Null variant in a gene where loss of function (LOF) is a known mechanism of disease.;Absent from controls (or at extremely low frequency if recessive) in Genome Aggregation Database.